The following is an entry in ClinVar:

NM_006662.3(SRCAP):c.5498T>C (p.Leu1833Ser)

Gene: SRCAP (Snf2 related CREBBP activator protein; plus strand). Cytogenetic location: 16p11.2.
Variant type: single nucleotide variant.
Coding change: c.5498T>C on transcript NM_006662.3 (MANE Select); coding-DNA position 5498, T replaced by C.
Protein change: p.Leu1833Ser; replaces leucine 1833 with serine.
Molecular consequence: missense variant.
Genome position (GRCh38, 1-based): chr16:30,724,922, T>C. VCF-style: chr16-30724922-T-C. GRCh37 (hg19) VCF-style: chr16-30736243-T-C.
Other names: short protein forms L1833S.
Identifiers: ClinVar variation 4809395 (VCV004809395.1).

ClinVar aggregate classification (germline): Uncertain significance (1 of 4 stars; one submission).

Submission:

Labcorp Genetics (formerly Invitae), Labcorp
Classification: Uncertain significance. Last evaluated: 2025-06-22. Review status: criteria provided, single submitter. Criteria: Invitae Variant Classification Sherloc (09022015). Collection method: clinical testing. Allele origin: germline.
Comment: This sequence change replaces leucine, which is neutral and non-polar, with serine, which is neutral and polar, at codon 1833 of the SRCAP protein (p.Leu1833Ser). This variant is not present in population databases (gnomAD no frequency). This variant has not been reported in the literature in individuals affected with SRCAP-related conditions. Invitae Evidence Modeling of protein sequence and biophysical properties (such as structural, functional, and spatial information, amino acid conservation, physicochemical variation, residue mobility, and thermodynamic stability) indicates that this missense variant is not expected to disrupt SRCAP protein function with a negative predictive value of 80%. In summary, the available evidence is currently insufficient to determine the role of this variant in disease. Therefore, it has been classified as a Variant of Uncertain Significance.